The following is an entry in ClinVar:

NM_000051.4(ATM):c.6355G>A (p.Val2119Ile)

Genes: ATM (ATM serine/threonine kinase; plus strand), C11orf65 (chromosome 11 open reading frame 65; minus strand). Cytogenetic location: 11q22.3.
Variant type: single nucleotide variant.
Coding change: c.6355G>A on transcript NM_000051.4 (MANE Select); coding-DNA position 6355, G replaced by A.
Protein change: p.Val2119Ile; replaces valine 2119 with isoleucine.
Molecular consequence: missense variant. On other transcripts: intron variant (2).
Genome position (GRCh38, 1-based): chr11:108,319,961, G>A. VCF-style: chr11-108319961-G-A. GRCh37 (hg19) VCF-style: chr11-108190688-G-A.
Other names: c.6355G>A, p.Val2119Ile (NM_001351834.2); c.641-10890C>T (NM_001330368.2); c.*39-10890C>T (NM_001351110.2); short protein forms V2119I.
Identifiers: ClinVar variation 2826611 (VCV002826611.3), dbSNP rs1266938537, ClinGen allele CA382553163.

ClinVar aggregate classification (germline): Uncertain significance (1 of 4 stars; one submission).

Conditions:
Ataxia-telangiectasia syndrome (AT). Also called: LOUIS-BAR SYNDROME; Cerebello-oculocutaneous telangiectasia; Immunodeficiency with ataxia telangiectasia; Ataxia telangiectasia (A-T); Ataxia-telangiectasia, complementation group D; AT, COMPLEMENTATION GROUP C. Identifiers: Orphanet 100, MedGen C0004135, MONDO:0008840, OMIM 208900.

Submission:

Labcorp Genetics (formerly Invitae), Labcorp
Classification: Uncertain significance for Ataxia-telangiectasia syndrome. Last evaluated: 2023-01-06. Review status: criteria provided, single submitter. Criteria: Invitae Variant Classification Sherloc (09022015). Collection method: clinical testing. Allele origin: germline.
Comment: This variant is not present in population databases (gnomAD no frequency). In summary, the available evidence is currently insufficient to determine the role of this variant in disease. Therefore, it has been classified as a Variant of Uncertain Significance. Algorithms developed to predict the effect of sequence changes on RNA splicing suggest that this variant may disrupt the consensus splice site. Algorithms developed to predict the effect of missense changes on protein structure and function output the following: SIFT: "Tolerated"; PolyPhen-2: "Benign"; Align-GVGD: "Class C0". The isoleucine amino acid residue is found in multiple mammalian species, which suggests that this missense change does not adversely affect protein function. This variant has not been reported in the literature in individuals affected with ATM-related conditions. This sequence change replaces valine, which is neutral and non-polar, with isoleucine, which is neutral and non-polar, at codon 2119 of the ATM protein (p.Val2119Ile).